The following is an entry in ClinVar:

ClinVar aggregate classification (germline): Likely benign. Review status: criteria provided, single submitter (1 of 4 stars). 2 submissions from 2 submitters: Likely benign (1). 1 of the submissions does not count toward it. Last evaluated 2023-12-30.

Conditions:
PEX10-related disorder. Also called: PEX10-related condition.
Peroxisome biogenesis disorder, complementation group 7 (CG7). Also called: Peroxisome biogenesis disorder, complementation group B. Identifiers: MedGen C1864399.

Allele frequency attached by ClinVar (database versions not stated): ExAC 0.00001; gnomAD 0.00001; gnomAD exomes 0.00001; TOPMed 0.00001.
gnomAD v4.1: 16 of 1,614,012 alleles (0.00099%); highest among the groups gnomAD compares: Non-Finnish European, 0.0013%; no homozygotes.

Submissions (2):

Labcorp Genetics (formerly Invitae), Labcorp
Classification: Likely benign for Peroxisome biogenesis disorder, complementation group 7. Last evaluated: 2023-12-30. Review status: criteria provided, single submitter. Criteria: Invitae Variant Classification Sherloc (09022015). Collection method: clinical testing. Allele origin: germline.

PreventionGenetics, part of Exact Sciences
Classification: Likely benign for PEX10-related condition. Last evaluated: 2024-02-07. Review status: no assertion criteria provided. Collection method: clinical testing. Allele origin: germline. Not counted in ClinVar's aggregate classification.
Comment: This variant is classified as likely benign based on ACMG/AMP sequence variant interpretation guidelines (Richards et al. 2015 PMID: 25741868, with internal and published modifications).

NM_002617.4(PEX10):c.138G>A (p.Arg46=)

Gene: PEX10 (peroxisomal biogenesis factor 10; minus strand). Cytogenetic location: 1p36.32.
Variant type: single nucleotide variant.
Coding change: c.138G>A on transcript NM_002617.4 (MANE Select); coding-DNA position 138, G replaced by A.
Protein change: p.Arg46=; no amino-acid change (arginine 46 retained).
Molecular consequence: synonymous variant. On other transcripts: 5 prime UTR variant (2), non-coding transcript variant (1).
Genome position (GRCh38, 1-based): chr1:2,410,426, C>T on the plus strand (G>A on the coding strand, the complement: PEX10 is on the minus strand). VCF-style: chr1-2410426-C-T. GRCh37 (hg19) VCF-style: chr1-2341865-C-T.
Other names: c.138G>A, p.Arg46= (NM_001374425.1, NM_153818.2); c.-295G>A (NM_001374426.1, NM_001374427.1); c.138G>A (NM_153818.1).
Identifiers: ClinVar variation 1086459 (VCV001086459.9), dbSNP rs752243854, ClinGen allele CA538283.